The following is an entry in ClinVar:

NM_006063.3(KLHL41):c.1205T>C (p.Val402Ala)

Gene: KLHL41 (kelch like family member 41; plus strand). Cytogenetic location: 2q31.1.
Variant type: single nucleotide variant.
Coding change: c.1205T>C on transcript NM_006063.3 (MANE Select); coding-DNA position 1205, T replaced by C.
Protein change: p.Val402Ala; replaces valine 402 with alanine.
Molecular consequence: missense variant.
Genome position (GRCh38, 1-based): chr2:169,514,668, T>C. VCF-style: chr2-169514668-T-C. GRCh37 (hg19) VCF-style: chr2-170371178-T-C.
Other names: short protein forms V402A.
Identifiers: ClinVar variation 947283 (VCV000947283.9), dbSNP rs1684086471, ClinGen allele CA349178516.

ClinVar aggregate classification (germline): Uncertain significance (1 of 4 stars; one submission).

Conditions:
Nemaline myopathy 9 (NEM9). Identifiers: MedGen C3810384, MONDO:0014326, OMIM 615731.

Submission:

Labcorp Genetics (formerly Invitae), Labcorp
Classification: Uncertain significance for Nemaline myopathy 9. Last evaluated: 2022-03-09. Review status: criteria provided, single submitter. Criteria: Invitae Variant Classification Sherloc (09022015). Collection method: clinical testing. Allele origin: germline.
Comment: In summary, the available evidence is currently insufficient to determine the role of this variant in disease. Therefore, it has been classified as a Variant of Uncertain Significance. Algorithms developed to predict the effect of missense changes on protein structure and function (SIFT, PolyPhen-2, Align-GVGD) all suggest that this variant is likely to be tolerated. ClinVar contains an entry for this variant (Variation ID: 947283). This variant has not been reported in the literature in individuals affected with KLHL41-related conditions. This variant is not present in population databases (gnomAD no frequency). This sequence change replaces valine, which is neutral and non-polar, with alanine, which is neutral and non-polar, at codon 402 of the KLHL41 protein (p.Val402Ala).